The following is an entry in ClinVar:

ClinVar aggregate classification (germline): Likely pathogenic (1 of 4 stars; one submission).

Conditions:
Mandibulofacial dysostosis-microcephaly syndrome (MFDGA). Also called: Growth and mental retardation, mandibulofacial dysostosis, microcephaly, and cleft palate; Mandibulofacial dysostosis, Guion-Almeida type. Identifiers: Orphanet 79113, MedGen C1864652, MONDO:0012516, OMIM 610536.

Submission:

3billion
Classification: Likely pathogenic for Mandibulofacial dysostosis-microcephaly syndrome. Review status: criteria provided, single submitter. Criteria: ACMG Guidelines, 2015. Collection method: clinical testing. Allele origin: unknown. Affected: yes. Observed: 1 heterozygote.
Comment: The variant is not observed in the gnomAD v2.1.1 dataset. This frameshift variant is predicted to result in a loss or disruption of normal protein function through nonsense-mediated decay (NMD) or protein truncation. Multiple pathogenic variants are reported downstream of the variant. Therefore, this variant is classified as likely pathogenic according to the recommendation of ACMG/AMP guideline.

NM_004247.4(EFTUD2):c.2023_2026dup (p.Ala676fs)

Gene: EFTUD2 (elongation factor Tu GTP binding domain containing 2; minus strand). Cytogenetic location: 17q21.31.
Variant type: Duplication.
Coding change: c.2023_2026dup on transcript NM_004247.4 (MANE Select); coding-DNA positions 2023 to 2026, 4 bases duplicated (TTTG; older notation c.2023_2026dupTTTG).
Protein change: p.Ala676fs; shifts the reading frame from alanine 676.
Molecular consequence: frameshift variant.
Genome position (GRCh38, 1-based): chr17:44,857,094-44,857,097, CAAA duplicated on the plus strand (TTTG on the coding strand, the reverse complement: EFTUD2 is on the minus strand). VCF-style (leftmost placement, unchanged base first): chr17-44857093-G-GCAAA. GRCh37 (hg19) VCF-style: chr17-42934461-G-GCAAA.
Other names: c.1918_1921dup, p.Ala641fs (NM_001142605.2); c.2023_2026dup, p.Ala676fs (NM_001258353.2); c.1993_1996dup, p.Ala666fs (NM_001258354.2); short protein forms A641fs, A666fs, A676fs.
Identifiers: ClinVar variation 2572381 (VCV002572381.1), dbSNP rs2508740764, ClinGen allele CA2580613151.
Genomic context (GRCh38, chr17:44,857,093, plus strand): 5'-CCAGGAGGCTGCAGTCCCAGGGACACTGTGCTCCCAGCTTACTTCTTATTAGGCGTTTCA[G>GCAAA]CAAAGCACTTGAGGGAGGATGTTTCCACCACCGTCTCACAAAACGTGACAACTGGGTCAG-3'